The following is an entry in ClinVar:

ClinVar aggregate classification (germline): Conflicting classifications of pathogenicity. Review status: criteria provided, conflicting classifications (1 of 4 stars). 3 submissions from 3 submitters: Uncertain significance (1); Benign (1); Likely benign (1). Last evaluated 2025-10-26.

Conditions:
Aortic aneurysm, familial thoracic 7 (AAT7). Also called: AORTIC DISSECTION, FAMILIAL, WITH OR WITHOUT AORTIC ANEURYSM. Identifiers: MedGen C3151077, MONDO:0013418, OMIM 613780.

Submissions (3):

Labcorp Genetics (formerly Invitae), Labcorp
Classification: Benign for Aortic aneurysm, familial thoracic 7. Last evaluated: 2025-10-26. Review status: criteria provided, single submitter. Criteria: Invitae Variant Classification Sherloc (09022015). Collection method: clinical testing. Allele origin: germline.

GeneDx
Classification: Likely benign. Last evaluated: 2023-03-02. Review status: criteria provided, single submitter. Criteria: GeneDx Variant Classification Process June 2021. Collection method: clinical testing. Allele origin: germline. Affected: yes.
Comment: See Variant Classification Assertion Criteria.

CeGaT Center for Human Genetics Tuebingen
Classification: Uncertain significance. Last evaluated: 2016-10-01. Review status: criteria provided, single submitter. Criteria: CeGaT Center For Human Genetics Tuebingen Variant Classification Criteria Version 2. Collection method: clinical testing. Allele origin: germline. Affected: yes. Observed: 1 variant allele.

NM_053025.4(MYLK):c.4289-3del

Gene: MYLK (myosin light chain kinase; minus strand). Cytogenetic location: 3q21.1.
Variant type: Deletion.
Coding change: c.4289-3del on transcript NM_053025.4 (MANE Select); 3 bases into the intron before coding-DNA position 4289, one base deleted (C; older notation c.4289-3delC).
Molecular consequence: intron variant.
Genome position (GRCh38, 1-based): chr3:123,649,197, G deleted on the plus strand (C on the coding strand, the reverse complement: MYLK is on the minus strand); the first of 8 consecutive G bases (chr3:123,649,197-123,649,204); deleting any one gives the same sequence. VCF-style (leftmost placement, unchanged base first): chr3-123649196-TG-T. GRCh37 (hg19) VCF-style: chr3-123368043-TG-T.
Other names: c.3761-3del (NM_001321309.2); c.4082-3del (NM_053028.4, NM_053026.4); c.4289-3del (NM_053027.4); c.4289-3delC (NM_053025.3).
Identifiers: ClinVar variation 539099 (VCV000539099.53), dbSNP rs41431347, ClinGen allele CA071255.